The following is an entry in ClinVar:

NM_005477.3(HCN4):c.1388A>G (p.Lys463Arg)

Gene: HCN4 (hyperpolarization activated cyclic nucleotide gated potassium channel 4; minus strand). Cytogenetic location: 15q24.1.
Variant type: single nucleotide variant.
Coding change: c.1388A>G on transcript NM_005477.3 (MANE Select); coding-DNA position 1388, A replaced by G.
Protein change: p.Lys463Arg; replaces lysine 463 with arginine.
Molecular consequence: missense variant.
Genome position (GRCh38, 1-based): chr15:73,329,775, T>C on the plus strand (A>G on the coding strand, the complement: HCN4 is on the minus strand). VCF-style: chr15-73329775-T-C. GRCh37 (hg19) VCF-style: chr15-73622116-T-C.
Other names: short protein forms K463R.
Identifiers: ClinVar variation 1348237 (VCV001348237.8), dbSNP rs2151217077, ClinGen allele CA393094153.

ClinVar aggregate classification (germline): Uncertain significance (1 of 4 stars; one submission).

Conditions:
Brugada syndrome 8 (BRGDA8). Identifiers: Orphanet 130, MedGen C2751083, MONDO:0013148, OMIM 613123.

Submission:

Labcorp Genetics (formerly Invitae), Labcorp
Classification: Uncertain significance for Brugada syndrome 8. Last evaluated: 2022-08-23. Review status: criteria provided, single submitter. Criteria: Invitae Variant Classification Sherloc (09022015). Collection method: clinical testing. Allele origin: germline.
Comment: In summary, the available evidence is currently insufficient to determine the role of this variant in disease. Therefore, it has been classified as a Variant of Uncertain Significance. Advanced modeling of protein sequence and biophysical properties (such as structural, functional, and spatial information, amino acid conservation, physicochemical variation, residue mobility, and thermodynamic stability) performed at Invitae indicates that this missense variant is not expected to disrupt HCN4 protein function. ClinVar contains an entry for this variant (Variation ID: 1348237). This variant has not been reported in the literature in individuals affected with HCN4-related conditions. This variant is not present in population databases (gnomAD no frequency). This sequence change replaces lysine, which is basic and polar, with arginine, which is basic and polar, at codon 463 of the HCN4 protein (p.Lys463Arg).